The following is an entry in ClinVar:

NM_006235.3(POU2AF1):c.16+1373G>C

Gene: POU2AF1 (POU class 2 homeobox associating factor 1; minus strand). Cytogenetic location: 11q23.1.
Variant type: single nucleotide variant.
Coding change: c.16+1373G>C on transcript NM_006235.3 (MANE Select); 1373 bases into the intron after coding-DNA position 16, G replaced by C.
Molecular consequence: intron variant.
Genome position (GRCh38, 1-based): chr11:111,377,789, C>G on the plus strand (G>C on the coding strand, the complement: POU2AF1 is on the minus strand). VCF-style: chr11-111377789-C-G. GRCh37 (hg19) VCF-style: chr11-111248514-C-G.
Identifiers: ClinVar variation 2687935 (VCV002687935.2), dbSNP rs4622303, ClinGen allele CA13492168.
Genomic context (GRCh38, chr11:111,377,789, plus strand): 5'-GCACACAGATGCTTAGGGGCCCCCAGTAAAAAGATGAATGCCCACCTGCTCTCATCCACA[C>G]AGCACTCACAACAGGGTCAGCTGCCATTGTCCCAGAAAGGATAGGCTGCCGCTGCTCCAT-3'

ClinVar aggregate classification (germline): Benign (1 of 4 stars; one submission).

Allele frequency attached by ClinVar (database versions not stated): 1000 Genomes Project 0.56110; 1000 Genomes Project 30x 0.56605; gnomAD exomes 0.65791; gnomAD 0.67815; TOPMed 0.68813.
gnomAD v4.1: 124,133 of 183,530 alleles (68%); highest among the groups gnomAD compares: Admixed American, 78%; 43,155 homozygotes.

Submission:

Unidad de Genómica Garrahan, Hospital de Pediatría Garrahan
Classification: Benign. Last evaluated: 2024-01-24. Review status: criteria provided, single submitter. Criteria: ACMG Guidelines, 2015. Collection method: clinical testing. Allele origin: germline. Affected: no. Observed: 89 variant alleles.
Comment: This variant is classified as Benign based on local population frequency. This variant was detected in 94% of patients studied by a panel of primary immunodeficiencies. Number of patients: 89. Only high quality variants are reported.